The following is an entry in ClinVar:

ClinVar aggregate classification (germline): Uncertain significance. Review status: criteria provided, multiple submitters, no conflicts (2 of 4 stars). 2 submissions from 2 submitters: Uncertain significance (2). Last evaluated 2025-06-02.

Conditions:
Inborn genetic diseases. Identifiers: MedGen C0950123, MeSH D030342.

Allele frequency attached by ClinVar (database versions not stated): gnomAD 0.00003; ESP Exome Variant Server 0.00008; gnomAD exomes 0.00008; ExAC 0.00009.

Submissions (2):

Labcorp Genetics (formerly Invitae), Labcorp
Classification: Uncertain significance. Last evaluated: 2025-06-02. Review status: criteria provided, single submitter. Criteria: Invitae Variant Classification Sherloc (09022015). Collection method: clinical testing. Allele origin: germline.
Comment: This sequence change replaces glycine, which is neutral and non-polar, with glutamic acid, which is acidic and polar, at codon 371 of the CRB2 protein (p.Gly371Glu). This variant is present in population databases (rs139824767, gnomAD 0.01%). This variant has not been reported in the literature in individuals affected with CRB2-related conditions. ClinVar contains an entry for this variant (Variation ID: 1914332). Invitae Evidence Modeling of protein sequence and biophysical properties (such as structural, functional, and spatial information, amino acid conservation, physicochemical variation, residue mobility, and thermodynamic stability) indicates that this missense variant is expected to disrupt CRB2 protein function with a positive predictive value of 95%. In summary, the available evidence is currently insufficient to determine the role of this variant in disease. Therefore, it has been classified as a Variant of Uncertain Significance.

Ambry Genetics
Classification: Uncertain significance for Inborn genetic diseases. Last evaluated: 2021-05-24. Review status: criteria provided, single submitter. Criteria: Ambry Variant Classification Scheme 2023. Collection method: clinical testing. Allele origin: germline.

NM_173689.7(CRB2):c.1112G>A (p.Gly371Glu)

Gene: CRB2 (crumbs cell polarity complex component 2; plus strand). Cytogenetic location: 9q33.3.
Variant type: single nucleotide variant.
Coding change: c.1112G>A on transcript NM_173689.7 (MANE Select); coding-DNA position 1112, G replaced by A.
Protein change: p.Gly371Glu; replaces glycine 371 with glutamic acid.
Molecular consequence: missense variant. On other transcripts: non-coding transcript variant (1).
Genome position (GRCh38, 1-based): chr9:123,370,165, G>A. VCF-style: chr9-123370165-G-A. GRCh37 (hg19) VCF-style: chr9-126132444-G-A.
Other names: short protein forms G371E.
Identifiers: ClinVar variation 1914332 (VCV001914332.6), dbSNP rs139824767, ClinGen allele CA5231910.
Genomic context (GRCh38, chr9:123,370,165, plus strand): 5'-AAGGGCCGACATGTGAGGAAGATGTGGATGAATGCCTGTCGGATCCCTGCCTGCACGGCG[G>A]AACCTGCAGTGACACTGTGGCAGGCTATATCTGCAGGTGCCCAGAGACCTGGGGTGGGCG-3'
Protein context (NP_775960.4, residues 361-381): ECLSDPCLHG[Gly371Glu]TCSDTVAGYI